The following is an entry in ClinVar:

NM_025243.4(SLC19A3):c.881A>G (p.Gln294Arg)

Gene: SLC19A3 (solute carrier family 19 member 3; minus strand). Cytogenetic location: 2q36.3.
Variant type: single nucleotide variant.
Coding change: c.881A>G on transcript NM_025243.4 (MANE Select); coding-DNA position 881, A replaced by G.
Protein change: p.Gln294Arg; replaces glutamine 294 with arginine.
Molecular consequence: missense variant.
Genome position (GRCh38, 1-based): chr2:227,698,834, T>C on the plus strand (A>G on the coding strand, the complement: SLC19A3 is on the minus strand). VCF-style: chr2-227698834-T-C. GRCh37 (hg19) VCF-style: chr2-228563550-T-C.
Other names: c.881A>G, p.Gln294Arg (NM_001371411.1, NM_001371412.1); c.869A>G, p.Gln290Arg (NM_001371413.1, NM_001371414.1); short protein forms Q290R, Q294R.
Identifiers: ClinVar variation 2135264 (VCV002135264.4), dbSNP rs1695549122, ClinGen allele CA350876262.
Genomic context (GRCh38, chr2:227,698,834, plus strand): 5'-ATGGAAGAATCTTGGGATGGCGCCTTGTAATCCCACAGGATTTGAACATAGTTCAAAACC[T>C]GGTTAAAACCTGCTGTGGCGAAAGCCCACCATAGAGACCAGTAGAAAAGACGTTTTGAGG-3'
Protein context (NP_079519.1, residues 284-304): WWAFATAGFN[Gln294Arg]VLNYVQILWD

ClinVar aggregate classification (germline): Uncertain significance (1 of 4 stars; one submission).

Conditions:
Biotin-responsive basal ganglia disease (BTBGD). Also called: Thiamine metabolism dysfunction syndrome type 2; THIAMINE METABOLISM DYSFUNCTION SYNDROME 2 (BIOTIN- AND THIAMINE-RESPONSIVE TYPE); Thiamine metabolism dysfunction syndrome 2 (biotin- or thiamine-responsive encephalopathy type 2); thiamine-responsive encephalopathy; Thiamine Transporter-2 Deficiency. Identifiers: Orphanet 199348, Orphanet 65284, MedGen C1843807, MONDO:0011841, OMIM 607483.

Submission:

Labcorp Genetics (formerly Invitae), Labcorp
Classification: Uncertain significance for Biotin-responsive basal ganglia disease. Last evaluated: 2022-05-11. Review status: criteria provided, single submitter. Criteria: Invitae Variant Classification Sherloc (09022015). Collection method: clinical testing. Allele origin: germline.
Comment: This sequence change replaces glutamine, which is neutral and polar, with arginine, which is basic and polar, at codon 294 of the SLC19A3 protein (p.Gln294Arg). Advanced modeling of protein sequence and biophysical properties (such as structural, functional, and spatial information, amino acid conservation, physicochemical variation, residue mobility, and thermodynamic stability) performed at Invitae indicates that this missense variant is expected to disrupt SLC19A3 protein function. This variant has not been reported in the literature in individuals affected with SLC19A3-related conditions. This variant is not present in population databases (gnomAD no frequency). In summary, the available evidence is currently insufficient to determine the role of this variant in disease. Therefore, it has been classified as a Variant of Uncertain Significance.